The following is an entry in ClinVar:

NM_000392.5(ABCC2):c.2326_2329del (p.Tyr776fs)

Gene: ABCC2 (ATP binding cassette subfamily C member 2; plus strand). Cytogenetic location: 10q24.2.
Variant type: Microsatellite.
Coding change: c.2326_2329del on transcript NM_000392.5 (MANE Select); coding-DNA positions 2326 to 2329, 4 bases deleted (TACC; older notation c.2326_2329delTACC).
Protein change: p.Tyr776fs; shifts the reading frame from tyrosine 776.
Molecular consequence: frameshift variant.
Genome position (GRCh38, 1-based): chr10:99,818,844-99,818,847, TACC deleted; deleting any 4 consecutive bases within chr10:99,818,839-99,818,847 gives the same sequence; the c. name uses the placement nearest the transcript's 3' end. VCF-style (leftmost placement, unchanged base first): chr10-99818838-GCTAC-G. GRCh37 (hg19) VCF-style: chr10-101578595-GCTAC-G.
Other names: short protein forms Y776fs.
Identifiers: ClinVar variation 2878332 (VCV002878332.3), dbSNP rs2492965035, ClinGen allele CA2739270968.

ClinVar aggregate classification (germline): Pathogenic (1 of 4 stars; one submission).

Submission:

Labcorp Genetics (formerly Invitae), Labcorp
Classification: Pathogenic. Last evaluated: 2024-02-02. Review status: criteria provided, single submitter. Criteria: Invitae Variant Classification Sherloc (09022015). Collection method: clinical testing. Allele origin: germline.
Comment: This sequence change creates a premature translational stop signal (p.Tyr776Lysfs*3) in the ABCC2 gene. It is expected to result in an absent or disrupted protein product. Loss-of-function variants in ABCC2 are known to be pathogenic (PMID: 9185779, 16549534, 16952291). This variant is not present in population databases (gnomAD no frequency). This variant has not been reported in the literature in individuals affected with ABCC2-related conditions. For these reasons, this variant has been classified as Pathogenic.

Literature cited by the submitters: PubMed 9185779; PubMed 16549534; PubMed 16952291.